The following is an entry in ClinVar:

NM_001001957.2(OR2W3):c.426G>T (p.Arg142=)

Gene: OR2W3 (olfactory receptor family 2 subfamily W member 3; plus strand). Cytogenetic location: 1q44.
Variant type: single nucleotide variant.
Coding change: c.426G>T on transcript NM_001001957.2 (MANE Select); coding-DNA position 426, G replaced by T.
Protein change: p.Arg142=; no amino-acid change (arginine 142 retained).
Molecular consequence: synonymous variant.
Genome position (GRCh38, 1-based): chr1:247,896,012, G>T. VCF-style: chr1-247896012-G-T. GRCh37 (hg19) VCF-style: chr1-248059314-G-T.
Identifiers: ClinVar variation 3699221 (VCV003699221.2).

ClinVar aggregate classification (germline): Uncertain significance (1 of 4 stars; one submission).

Submission:

Labcorp Genetics (formerly Invitae), Labcorp
Classification: Uncertain significance. Last evaluated: 2024-10-27. Review status: criteria provided, single submitter. Criteria: Invitae Variant Classification Sherloc (09022015). Collection method: clinical testing. Allele origin: germline.
Comment: This sequence change affects codon 142 of the OR2W3 mRNA. It is a 'silent' change, meaning that it does not change the encoded amino acid sequence of the OR2W3 protein. This variant is not present in population databases (gnomAD no frequency). This variant has not been reported in the literature in individuals affected with OR2W3-related conditions. In summary, the available evidence is currently insufficient to determine the role of this variant in disease. Therefore, it has been classified as a Variant of Uncertain Significance.